The following is an entry in ClinVar:

NM_000368.5(TSC1):c.813T>G (p.Tyr271Ter)

Gene: TSC1 (TSC complex subunit 1; minus strand). Cytogenetic location: 9q34.13.
Variant type: single nucleotide variant.
Coding change: c.813T>G on transcript NM_000368.5 (MANE Select); coding-DNA position 813, T replaced by G.
Protein change: p.Tyr271Ter; replaces tyrosine 271 with a stop codon.
Molecular consequence: nonsense.
Genome position (GRCh38, 1-based): chr9:132,912,382, A>C on the plus strand (T>G on the coding strand, the complement: TSC1 is on the minus strand). VCF-style: chr9-132912382-A-C. GRCh37 (hg19) VCF-style: chr9-135787769-A-C.
Other names: c.813T>G, p.Tyr271Ter (NM_001162426.2); c.660T>G, p.Tyr220Ter (NM_001162427.2); c.450T>G, p.Tyr150Ter (NM_001362177.2); short protein forms Y150*, Y271*, Y220*.
Identifiers: ClinVar variation 840265 (VCV000840265.13), dbSNP rs118203452, ClinGen allele CA375369423.

ClinVar aggregate classification (germline): Pathogenic. Review status: criteria provided, multiple submitters, no conflicts (2 of 4 stars). 3 submissions from 3 submitters: Pathogenic (3). Last evaluated 2022-05-24.

Conditions:
Tuberous sclerosis 1 (TSC1). Identifiers: Orphanet 805, MedGen C1854465, MONDO:0008612, OMIM 191100.

Submissions (3):

GeneDx
Classification: Pathogenic. Last evaluated: 2022-05-24. Review status: criteria provided, single submitter. Criteria: GeneDx Variant Classification Process June 2021. Collection method: clinical testing. Allele origin: germline. Affected: yes.
Comment: Nonsense variant predicted to result in protein truncation or nonsense mediated decay in a gene for which loss of function is a known mechanism of disease; Not observed at significant frequency in large population cohorts (gnomAD); This variant is associated with the following publications: (PMID: 32005694)

Centre of Medical Genetics, University Hospital Muenster
Classification: Pathogenic. Last evaluated: 2021-12-21. Review status: criteria provided, single submitter. Criteria: ACMG Guidelines, 2015. Collection method: clinical testing. Allele origin: unknown. Affected: yes. Observed: 1 variant allele, 1 heterozygote.
Comment: ACMG categories: PVS1,PM2,PP5

Labcorp Genetics (formerly Invitae), Labcorp
Classification: Pathogenic for Tuberous sclerosis 1. Last evaluated: 2019-03-22. Review status: criteria provided, single submitter. Criteria: Invitae Variant Classification Sherloc (09022015). Collection method: clinical testing. Allele origin: germline.
Comment: Loss-of-function variants in TSC1 are known to be pathogenic (PMID: 10227394, 17304050). This variant has been reported in individuals in the Leiden Open-source Variation Database (PMID: 21520333). This variant is not present in population databases (ExAC no frequency). This sequence change creates a premature translational stop signal (p.Tyr271*) in the TSC1 gene. It is expected to result in an absent or disrupted protein product. For these reasons, this variant has been classified as Pathogenic.

Literature cited by the submitters: PubMed 10227394 (cited by Labcorp Genetics (formerly Invitae), Labcorp); PubMed 17304050 (cited by Labcorp Genetics (formerly Invitae), Labcorp); PubMed 21520333 (cited by Labcorp Genetics (formerly Invitae), Labcorp).